The following is an entry in ClinVar:

NM_001723.7(DST):c.4535G>A (p.Arg1512Gln)

Gene: DST (dystonin; minus strand). Cytogenetic location: 6p12.1.
Variant type: single nucleotide variant.
Coding change: c.4535G>A on transcript NM_001723.7 (MANE Plus Clinical); coding-DNA position 4535, G replaced by A.
Protein change: p.Arg1512Gln; replaces arginine 1512 with glutamine.
Molecular consequence: missense variant. On other transcripts: intron variant (10).
Genome position (GRCh38, 1-based): chr6:56,619,499, C>T on the plus strand (G>A on the coding strand, the complement: DST is on the minus strand). VCF-style: chr6-56619499-C-T. GRCh37 (hg19) VCF-style: chr6-56484297-C-T.
Other names: c.4831-5015G>A (NM_001144769.5); c.4930-5015G>A (NM_001374722.1, NM_001374736.1); c.4957-5015G>A (NM_001374734.1); c.4417-5015G>A (NM_001144770.2); c.4297-5015G>A (NM_001374730.1, NM_001386100.1, NM_183380.4 and 1 more transcripts); c.3319-5015G>A (NM_015548.5); short protein forms R1512Q.
Identifiers: ClinVar variation 649444 (VCV000649444.9), dbSNP rs148783697, ClinGen allele CA3870513.

ClinVar aggregate classification (germline): Uncertain significance. Review status: criteria provided, multiple submitters, no conflicts (2 of 4 stars). 2 submissions from 2 submitters: Uncertain significance (2). Last evaluated 2025-10-14.

Conditions:
Hereditary sensory and autonomic neuropathy type 6. Also called: Neuropathy, hereditary sensory and autonomic, type VI; HSAN VI. Identifiers: Orphanet 314381, MedGen C3539003, MONDO:0013839, OMIM 614653.
Epidermolysis bullosa simplex 3, localized or generalized intermediate, with BP230 deficiency (EBS3). Also called: Epidermolysis bullosa simplex, autosomal recessive 2; Epidermolysis bullosa simplex due to BP230 deficiency. Identifiers: Orphanet 412181, MedGen C3809470, MONDO:0014180, OMIM 615425.

Allele frequency attached by ClinVar (database versions not stated): gnomAD exomes 0.00009; ExAC 0.00010; ESP Exome Variant Server 0.00023; TOPMed 0.00027; gnomAD 0.00029 and 0.00033.
gnomAD v4.1: 79 of 1,612,082 alleles (0.0049%); highest among the groups gnomAD compares: African/African-American, 0.088%; no homozygotes.

Submissions (2):

Labcorp Genetics (formerly Invitae), Labcorp
Classification: Uncertain significance for Epidermolysis bullosa simplex 3, localized or generalized intermediate, with BP230 deficiency; Hereditary sensory and autonomic neuropathy type 6. Last evaluated: 2025-10-14. Review status: criteria provided, single submitter. Criteria: Invitae Variant Classification Sherloc (09022015). Collection method: clinical testing. Allele origin: germline.
Comment: This sequence change replaces arginine, which is basic and polar, with glutamine, which is neutral and polar, at codon 1512 of the DST protein (p.Arg1512Gln). This variant is present in population databases (rs148783697, gnomAD 0.1%). This variant has not been reported in the literature in individuals affected with DST-related conditions. ClinVar contains an entry for this variant (Variation ID: 649444). An algorithm developed to predict the effect of missense changes on protein structure and function outputs the following: PolyPhen-2: "Benign". The glutamine amino acid residue is found in multiple mammalian species, which suggests that this missense change does not adversely affect protein function. In summary, the available evidence is currently insufficient to determine the role of this variant in disease. Therefore, it has been classified as a Variant of Uncertain Significance.

Breakthrough Genomics
Classification: Uncertain significance. Review status: criteria provided, single submitter. Criteria: ACMG Guidelines, 2015. Collection method: not provided. Allele origin: germline. Inheritance: Autosomal recessive inheritance. Affected: yes.